The following is an entry in ClinVar:

ClinVar aggregate classification (germline): Likely benign (1 of 4 stars; one submission).

Submission:

Women's Health and Genetics/Laboratory Corporation of America, LabCorp
Classification: Likely benign. Last evaluated: 2024-03-26. Review status: criteria provided, single submitter. Criteria: LabCorp Variant Classification Summary - May 2015. Collection method: clinical testing. Allele origin: germline.
Comment: Variant summary: PKD1 c.11537+17C>G alters a non-conserved nucleotide located at a position not widely known to affect splicing. Consensus agreement among computation tools predict no significant impact on normal splicing. However, these predictions have yet to be confirmed by functional studies. The variant was absent in 231758 control chromosomes (gnomAD). The available data on variant occurrences in the general population are insufficient to allow any conclusion about variant significance. To our knowledge, no occurrence of c.11537+17C>G in individuals affected with Polycystic Kidney Disease 1 and no experimental evidence demonstrating its impact on protein function have been reported. No submitters have cited clinical-significance assessments for this variant to ClinVar. Based on the evidence outlined above, the variant was classified as likely benign.

NM_001009944.3(PKD1):c.11537+17C>G

Genes: PKD1 (polycystin 1, transient receptor potential channel interacting; minus strand), PKD1-AS1 (PKD1 antisense RNA 1; plus strand). Cytogenetic location: 16p13.3.
Variant type: single nucleotide variant.
Coding change: c.11537+17C>G on transcript NM_001009944.3 (MANE Select); 17 bases into the intron after coding-DNA position 11537, C replaced by G.
Molecular consequence: intron variant.
Genome position (GRCh38, 1-based): chr16:2,091,764, G>C on the plus strand (C>G on the coding strand, the complement: PKD1 is on the minus strand). VCF-style: chr16-2091764-G-C. GRCh37 (hg19) VCF-style: chr16-2141765-G-C.
Other names: c.11534+17C>G (NM_000296.4).
Identifiers: ClinVar variation 3233762 (VCV003233762.2), dbSNP rs201660914, ClinGen allele CA2825002353.